The following is an entry in ClinVar:

ClinVar aggregate classification (germline): Pathogenic (1 of 4 stars; one submission).

Conditions:
Muscular dystrophy-dystroglycanopathy (congenital with brain and eye anomalies), type A9. Also called: WALKER-WARBURG SYNDROME OR MUSCLE-EYE BRAIN DISEASE, DAG1-RELATED; Muscular dystrophy-dystroglycanopathy (congenital with brain and eye anomalies), type a, 9. Identifiers: Orphanet 370997, Orphanet 899, MedGen C4225291, MONDO:0014683, OMIM 616538.
Autosomal recessive limb-girdle muscular dystrophy type 2P. Also called: Limb-Girdle Muscular Dystrophy Type 9C; MUSCULAR DYSTROPHY, LIMB-GIRDLE, TYPE 2P; MUSCULAR DYSTROPHY-DYSTROGLYCANOPATHY, LIMB-GIRDLE, DAG1-RELATED. Identifiers: Orphanet 280333, MedGen C4511963, MONDO:0013440, OMIM 613818.

Submission:

Labcorp Genetics (formerly Invitae), Labcorp
Classification: Pathogenic for Autosomal recessive limb-girdle muscular dystrophy type 2P; Muscular dystrophy-dystroglycanopathy (congenital with brain and eye anomalies), type A9. Last evaluated: 2022-10-04. Review status: criteria provided, single submitter. Criteria: Invitae Variant Classification Sherloc (09022015). Collection method: clinical testing. Allele origin: germline.
Comment: For these reasons, this variant has been classified as Pathogenic. ClinVar contains an entry for this variant (Variation ID: 654870). This variant has not been reported in the literature in individuals affected with DAG1-related conditions. This variant is not present in population databases (gnomAD no frequency). This sequence change creates a premature translational stop signal (p.Arg79*) in the DAG1 gene. It is expected to result in an absent or disrupted protein product. Loss-of-function variants in DAG1 are known to be pathogenic (PMID:22237435, 10875918).

Literature cited by the submitters: PubMed 22237435; PubMed 10875918.

NM_004393.6(DAG1):c.235C>T (p.Arg79Ter)

Gene: DAG1 (dystroglycan 1; plus strand). Cytogenetic location: 3p21.31.
Variant type: single nucleotide variant.
Coding change: c.235C>T on transcript NM_004393.6 (MANE Select); coding-DNA position 235, C replaced by T.
Protein change: p.Arg79Ter; replaces arginine 79 with a stop codon.
Molecular consequence: nonsense.
Genome position (GRCh38, 1-based): chr3:49,510,769, C>T. VCF-style: chr3-49510769-C-T. GRCh37 (hg19) VCF-style: chr3-49548202-C-T.
Other names: c.235C>T, p.Arg79Ter (NM_001165928.4, NM_001177634.3, NM_001177635.3 and 9 more transcripts); short protein forms R79*.
Identifiers: ClinVar variation 654870 (VCV000654870.7), dbSNP rs1334656238, ClinGen allele CA352800881.